The following is an entry in ClinVar:

ClinVar aggregate classification (germline): Benign (1 of 4 stars; one submission).

Conditions:
Inherited prion disease. Identifiers: Orphanet 280400, MedGen C5679775, MONDO:0017234.

Allele frequency attached by ClinVar (database versions not stated): gnomAD exomes 0.00030; gnomAD 0.00537 and 0.00575; TOPMed 0.00590; 1000 Genomes Project 0.00679; 1000 Genomes Project 30x 0.00750.

Submission:

Illumina Laboratory Services, Illumina
Classification: Benign for Genetic prion diseases. Last evaluated: 2018-01-13. Review status: criteria provided, single submitter. Criteria: ICSL Variant Classification Criteria 13 December 2019. Collection method: clinical testing. Allele origin: germline.
Comment: This variant was observed in the ICSL laboratory as part of a predisposition screen in an ostensibly healthy population. It had not been previously curated by ICSL or reported in the Human Gene Mutation Database (HGMD: prior to June 1st, 2018), and was therefore a candidate for classification through an automated scoring system. Utilizing variant allele frequency, disease prevalence and penetrance estimates, and inheritance mode, an automated score was calculated to assess if this variant is too frequent to cause the disease. Based on the score and internal cut-off values, a variant classified as benign is not then subjected to further curation. The score for this variant resulted in a classification of benign for this disease.

NM_000311.5(PRNP):c.*592T>C

Gene: PRNP (prion protein (Kanno blood group); plus strand). Cytogenetic location: 20p13.
Variant type: single nucleotide variant.
Coding change: c.*592T>C on transcript NM_000311.5 (MANE Select); 592 bases downstream of the stop codon, T replaced by C.
Molecular consequence: 3 prime UTR variant.
Genome position (GRCh38, 1-based): chr20:4,700,574, T>C. VCF-style: chr20-4700574-T-C. GRCh37 (hg19) VCF-style: chr20-4681220-T-C.
Other names: c.*592T>C (NM_001080121.3, NM_001080122.3, NM_001080123.3 and 1 more transcripts); c.*1043T>C (NM_001271561.3).
Identifiers: ClinVar variation 338661 (VCV000338661.5), dbSNP rs138751953, ClinGen allele CA10649838.
Genomic context (GRCh38, chr20:4,700,574, plus strand): 5'-GCTCAGCCCGCTGGAGCATGAGCTCTGTGTGTACCGAGAACTGGGGTGATGTTTTACTTT[T>C]CACAGTATGGGCTACACAGCAGCTGTTCAACAAGAGTAAATATTGTCACAACACTGAACC-3'